The following is an entry in ClinVar:

NM_178822.5(IGSF10):c.7847C>G (p.Ala2616Gly)

Gene: IGSF10 (immunoglobulin superfamily member 10; minus strand). Cytogenetic location: 3q25.1.
Variant type: single nucleotide variant.
Coding change: c.7847C>G on transcript NM_178822.5 (MANE Select); coding-DNA position 7847, C replaced by G.
Protein change: p.Ala2616Gly; replaces alanine 2616 with glycine.
Molecular consequence: missense variant.
Genome position (GRCh38, 1-based): chr3:151,436,714, G>C on the plus strand (C>G on the coding strand, the complement: IGSF10 is on the minus strand). VCF-style: chr3-151436714-G-C. GRCh37 (hg19) VCF-style: chr3-151154502-G-C.
Other names: c.1784C>G, p.Ala595Gly (NM_001178145.3, NM_001178146.3); c.7847C>G, p.Ala2616Gly (NM_001385060.1, NM_001385061.1, NM_001385062.1 and 1 more transcripts); short protein forms A2616G, A595G.
Identifiers: ClinVar variation 3642996 (VCV003642996.2).

ClinVar aggregate classification (germline): Uncertain significance (1 of 4 stars; one submission).

Submission:

Labcorp Genetics (formerly Invitae), Labcorp
Classification: Uncertain significance. Last evaluated: 2024-03-02. Review status: criteria provided, single submitter. Criteria: Invitae Variant Classification Sherloc (09022015). Collection method: clinical testing. Allele origin: germline.
Comment: This sequence change replaces alanine, which is neutral and non-polar, with glycine, which is neutral and non-polar, at codon 2616 of the IGSF10 protein (p.Ala2616Gly). This variant is not present in population databases (gnomAD no frequency). This variant has not been reported in the literature in individuals affected with IGSF10-related conditions. An algorithm developed to predict the effect of missense changes on protein structure and function (PolyPhen-2) suggests that this variant is likely to be disruptive. In summary, the available evidence is currently insufficient to determine the role of this variant in disease. Therefore, it has been classified as a Variant of Uncertain Significance.